The following is an entry in ClinVar:

ClinVar aggregate classification (germline): Uncertain significance (1 of 4 stars; one submission).

Conditions:
Pheochromocytoma. Also called: MAX-Related Hereditary Paraganglioma-Pheochromocytoma Syndrome. Identifiers: Orphanet 29072, MedGen C0031511, MONDO:0008233, OMIM 171300, HP:0002666.
Carney-Stratakis syndrome. Also called: PARAGANGLIOMA AND GASTROINTESTINAL STROMAL TUMOR. Identifiers: Orphanet 97286, MedGen C1847319, MONDO:0011740, OMIM 606864.
Paragangliomas with sensorineural hearing loss. Identifiers: MedGen C1868633.
Cowden syndrome 3 (CWS3). Identifiers: Orphanet 201, MedGen CN166604, MONDO:0014045.

Submission:

Labcorp Genetics (formerly Invitae), Labcorp
Classification: Uncertain significance for Carney-Stratakis syndrome; Paragangliomas with sensorineural hearing loss; Pheochromocytoma; Cowden syndrome 3. Last evaluated: 2022-02-09. Review status: criteria provided, single submitter. Criteria: Invitae Variant Classification Sherloc (09022015). Collection method: clinical testing. Allele origin: germline.
Comment: In summary, the available evidence is currently insufficient to determine the role of this variant in disease. Therefore, it has been classified as a Variant of Uncertain Significance. Advanced modeling of protein sequence and biophysical properties (such as structural, functional, and spatial information, amino acid conservation, physicochemical variation, residue mobility, and thermodynamic stability) performed at Invitae indicates that this missense variant is not expected to disrupt SDHD protein function. This variant has not been reported in the literature in individuals affected with SDHD-related conditions. This variant is not present in population databases (gnomAD no frequency). This sequence change replaces glycine, which is neutral and non-polar, with arginine, which is basic and polar, at codon 12 of the SDHD protein (p.Gly12Arg).

NM_003002.4(SDHD):c.34G>C (p.Gly12Arg)

Genes: SDHD (succinate dehydrogenase complex subunit D; plus strand), LOC126861339 (BRD4-independent group 4 enhancer GRCh37_chr11:111957035-111958234; plus strand). Cytogenetic location: 11q23.1.
Variant type: single nucleotide variant.
Coding change: c.34G>C on transcript NM_003002.4 (MANE Select); coding-DNA position 34, G replaced by C.
Protein change: p.Gly12Arg; replaces glycine 12 with arginine.
Molecular consequence: missense variant. On other transcripts: non-coding transcript variant (1).
Genome position (GRCh38, 1-based): chr11:112,086,941, G>C. VCF-style: chr11-112086941-G-C. GRCh37 (hg19) VCF-style: chr11-111957665-G-C.
Other names: c.34G>C, p.Gly12Arg (NM_001276503.2, NM_001276504.2, NM_001276506.2); short protein forms G12R.
Identifiers: ClinVar variation 2151603 (VCV002151603.4), dbSNP rs34677591, ClinGen allele CA382616709.